The following is an entry in ClinVar:

NM_000051.4(ATM):c.3937G>C (p.Glu1313Gln)

Gene: ATM (ATM serine/threonine kinase; plus strand). Cytogenetic location: 11q22.3.
Variant type: single nucleotide variant.
Coding change: c.3937G>C on transcript NM_000051.4 (MANE Select); coding-DNA position 3937, G replaced by C.
Protein change: p.Glu1313Gln; replaces glutamic acid 1313 with glutamine.
Molecular consequence: missense variant.
Genome position (GRCh38, 1-based): chr11:108,284,417, G>C. VCF-style: chr11-108284417-G-C. GRCh37 (hg19) VCF-style: chr11-108155144-G-C.
Other names: c.3937G>C, p.Glu1313Gln (NM_001351834.2); short protein forms E1313Q.
Identifiers: ClinVar variation 230536 (VCV000230536.16), dbSNP rs3092841, ClinGen allele CA10579129.

ClinVar aggregate classification (germline): Uncertain significance. Review status: criteria provided, multiple submitters, no conflicts (2 of 4 stars). 3 submissions from 3 submitters: Uncertain significance (3). Last evaluated 2024-09-02.

Conditions:
Hereditary cancer-predisposing syndrome. Also called: Hereditary Cancer Syndrome; Neoplastic Syndromes, Hereditary; Tumor predisposition; Hereditary neoplastic syndrome. Identifiers: Orphanet 140162, MedGen C0027672, MeSH D009386, MONDO:0015356.
Ataxia-telangiectasia syndrome (AT). Also called: Ataxia telangiectasia (A-T); Ataxia-telangiectasia, complementation group E; LOUIS-BAR SYNDROME; Cerebello-oculocutaneous telangiectasia; Immunodeficiency with ataxia telangiectasia; Ataxia-telangiectasia, complementation group D. Identifiers: Orphanet 100, MedGen C0004135, MONDO:0008840, OMIM 208900.

Allele frequency attached by ClinVar (database versions not stated): gnomAD exomes below 0.00001; TOPMed below 0.00001.
gnomAD v4.1: 6 of 1,614,016 alleles (0.00037%); highest among the groups gnomAD compares: African/African-American, 0.0013%; no homozygotes.

Submissions (3):

Ambry Genetics
Classification: Uncertain significance for Hereditary cancer-predisposing syndrome. Last evaluated: 2024-09-02. Review status: criteria provided, single submitter. Criteria: Ambry Variant Classification Scheme 2023. Collection method: clinical testing. Allele origin: germline.
Comment: The p.E1313Q variant (also known as c.3937G>C), located in coding exon 25 of the ATM gene, results from a G to C substitution at nucleotide position 3937. The glutamic acid at codon 1313 is replaced by glutamine, an amino acid with highly similar properties. This alteration has been reported in 0/4112 patients with breast cancer and 1/2399 controls (Tavtigian SV et al. Am. J. Hum. Genet., 2009 Oct;85:427-46). Additionally, this alteration has been reported with a carrier frequency of 0.0000 in 53 unselected patients with male breast cancer and 0.0001 in 12490 male controls of Japanese ancestry (Momozawa Y et al. Nat Commun, 2018 10;9:4083). This amino acid position is not well conserved in available vertebrate species. In addition, this alteration is predicted to be tolerated by in silico analysis. Since supporting evidence is limited at this time, the clinical significance of this alteration remains unclear.

Labcorp Genetics (formerly Invitae), Labcorp
Classification: Uncertain significance for Ataxia-telangiectasia syndrome. Last evaluated: 2024-02-23. Review status: criteria provided, single submitter. Criteria: Invitae Variant Classification Sherloc (09022015). Collection method: clinical testing. Allele origin: germline.
Comment: This sequence change replaces glutamic acid, which is acidic and polar, with glutamine, which is neutral and polar, at codon 1313 of the ATM protein (p.Glu1313Gln). This variant is not present in population databases (gnomAD no frequency). This variant has not been reported in the literature in individuals affected with ATM-related conditions. ClinVar contains an entry for this variant (Variation ID: 230536). An algorithm developed to predict the effect of missense changes on protein structure and function (PolyPhen-2) suggests that this variant is likely to be tolerated. In summary, the available evidence is currently insufficient to determine the role of this variant in disease. Therefore, it has been classified as a Variant of Uncertain Significance.

Color Diagnostics, LLC DBA Color Health
Classification: Uncertain significance for Hereditary cancer-predisposing syndrome. Last evaluated: 2021-10-04. Review status: criteria provided, single submitter. Criteria: ACMG Guidelines, 2015. Collection method: clinical testing. Allele origin: germline.
Comment: This missense variant replaces glutamic acid with glutamine at codon 1313 of the ATM protein. Computational prediction suggests that this variant may not impact protein structure and function (internally defined REVEL score threshold <= 0.5, PMID: 27666373). To our knowledge, functional studies have not been reported for this variant. This variant has not been reported in individuals affected with hereditary cancer in the literature. This variant has not been identified in the general population by the Genome Aggregation Database (gnomAD). The available evidence is insufficient to determine the role of this variant in disease conclusively. Therefore, this variant is classified as a Variant of Uncertain Significance.

Literature cited by the submitters: PubMed 19781682 (cited by Ambry Genetics); PubMed 30287823 (cited by Ambry Genetics).